The following is an entry in ClinVar:

NM_138694.4(PKHD1):c.284C>T (p.Ser95Phe)

Gene: PKHD1 (PKHD1 ciliary IPT domain containing fibrocystin/polyductin; minus strand). Cytogenetic location: 6p12.2.
Variant type: single nucleotide variant.
Coding change: c.284C>T on transcript NM_138694.4 (MANE Select); coding-DNA position 284, C replaced by T.
Protein change: p.Ser95Phe; replaces serine 95 with phenylalanine.
Molecular consequence: missense variant.
Genome position (GRCh38, 1-based): chr6:52,080,006, G>A on the plus strand (C>T on the coding strand, the complement: PKHD1 is on the minus strand). VCF-style: chr6-52080006-G-A. GRCh37 (hg19) VCF-style: chr6-51944804-G-A.
Other names: c.284C>T, p.Ser95Phe (NM_170724.3); short protein forms S95F.
Identifiers: ClinVar variation 3061360 (VCV003061360.2), dbSNP rs763835920, ClinGen allele CA3853971.

ClinVar aggregate classification (germline): Uncertain significance (0 of 4 stars; one submission).

Conditions:
PKHD1-related disorder. Also called: PKHD1-related condition.

Allele frequency attached by ClinVar (database versions not stated): ExAC 0.00001.

Submission:

PreventionGenetics, part of Exact Sciences
Classification: Uncertain significance for PKHD1-related condition. Last evaluated: 2024-01-29. Review status: no assertion criteria provided. Collection method: clinical testing. Allele origin: germline.
Comment: The PKHD1 c.284C>T variant is predicted to result in the amino acid substitution p.Ser95Phe. To our knowledge, this variant has not been reported in the literature. This variant is reported in 0.00088% of alleles in individuals of European (Non-Finnish) descent in gnomAD. At this time, the clinical significance of this variant is uncertain due to the absence of conclusive functional and genetic evidence.